The following is an entry in ClinVar:

NM_001197104.2(KMT2A):c.2401C>A (p.His801Asn)

Gene: KMT2A (lysine methyltransferase 2A; plus strand). Cytogenetic location: 11q23.3.
Variant type: single nucleotide variant.
Coding change: c.2401C>A on transcript NM_001197104.2 (MANE Select); coding-DNA position 2401, C replaced by A.
Protein change: p.His801Asn; replaces histidine 801 with asparagine.
Molecular consequence: missense variant.
Genome position (GRCh38, 1-based): chr11:118,473,560, C>A. VCF-style: chr11-118473560-C-A. GRCh37 (hg19) VCF-style: chr11-118344275-C-A.
Other names: c.2500C>A, p.His834Asn (NM_001412597.1); c.2401C>A, p.His801Asn (NM_005933.4); short protein forms H801N, H834N.
Identifiers: ClinVar variation 2972901 (VCV002972901.3), dbSNP rs375240261, ClinGen allele CA382815071.

ClinVar aggregate classification (germline): Uncertain significance (1 of 4 stars; one submission).

gnomAD v4.1: 7 of 1,614,000 alleles (0.00043%); highest among the groups gnomAD compares: Non-Finnish European, 0.00059%; no homozygotes.

Submission:

Labcorp Genetics (formerly Invitae), Labcorp
Classification: Uncertain significance. Last evaluated: 2024-02-02. Review status: criteria provided, single submitter. Criteria: Invitae Variant Classification Sherloc (09022015). Collection method: clinical testing. Allele origin: germline.
Comment: This sequence change replaces histidine, which is basic and polar, with asparagine, which is neutral and polar, at codon 801 of the KMT2A protein (p.His801Asn). This variant is not present in population databases (gnomAD no frequency). This variant has not been reported in the literature in individuals affected with KMT2A-related conditions. Advanced modeling of protein sequence and biophysical properties (such as structural, functional, and spatial information, amino acid conservation, physicochemical variation, residue mobility, and thermodynamic stability) performed at Invitae indicates that this missense variant is not expected to disrupt KMT2A protein function with a negative predictive value of 95%. In summary, the available evidence is currently insufficient to determine the role of this variant in disease. Therefore, it has been classified as a Variant of Uncertain Significance.